The following is an entry in ClinVar:

ClinVar aggregate classification (germline): Likely pathogenic (1 of 4 stars; one submission).

Conditions:
CEBALID syndrome (CEBALID). Also called: CRANIOFACIAL DEFECTS, DYSMORPHIC EARS, STRUCTURAL BRAIN ABNORMALITIES, EXPRESSIVE LANGUAGE DELAY, AND IMPAIRED INTELLECTUAL DEVELOPMENT; MN1 C-TERMINAL TRUNCATION SYNDROME. Identifiers: Orphanet 693549, MedGen C5394044, MONDO:0032908, OMIM 618774.

Submission:

3billion
Classification: Likely pathogenic for CEBALID syndrome. Last evaluated: 2025-05-02. Review status: criteria provided, single submitter. Criteria: ACMG Guidelines, 2015. Collection method: clinical testing. Allele origin: germline. Affected: yes.
Comment: The variant is not observed in the gnomAD v4.1.0 dataset. Predicted Consequence/Location: Frameshift: predicted to result in a loss or disruption of normal protein function through protein truncation and a dominant negative effect has been reported near truncated region. Therefore, this variant is classified as Likely pathogenic according to the recommendation of ACMG/AMP guideline.

NM_002430.3(MN1):c.3745del (p.Glu1249fs)

Gene: MN1 (MN1 proto-oncogene, transcriptional regulator; minus strand). Cytogenetic location: 22q12.1.
Variant type: Deletion.
Coding change: c.3745del on transcript NM_002430.3 (MANE Select); coding-DNA position 3745, one base deleted (G; older notation c.3745delG).
Protein change: p.Glu1249fs; shifts the reading frame from glutamic acid 1249.
Molecular consequence: frameshift variant.
Genome position (GRCh38, 1-based): chr22:27,796,799, C deleted on the plus strand (G on the coding strand, the reverse complement: MN1 is on the minus strand); the first of 3 consecutive C bases (chr22:27,796,799-27,796,801); deleting any one gives the same sequence. VCF-style (leftmost placement, unchanged base first): chr22-27796798-TC-T. GRCh37 (hg19) VCF-style: chr22-28192786-TC-T.
Other names: short protein forms E1249fs.
Identifiers: ClinVar variation 4854306 (VCV004854306.1).